The following is an entry in ClinVar:

ClinVar aggregate classification (germline): Uncertain significance. Review status: criteria provided, multiple submitters, no conflicts (2 of 4 stars). 5 submissions from 5 submitters: Uncertain significance (5). Last evaluated 2024-02-24.

Conditions:
Inborn genetic diseases. Identifiers: MedGen C0950123, MeSH D030342.
Developmental and epileptic encephalopathy, 18 (DEE18). Also called: Early infantile epileptic encephalopathy 18. Identifiers: Orphanet 369894, MedGen C3809624, MONDO:0014201, OMIM 615476.

Allele frequency attached by ClinVar (database versions not stated): gnomAD 0.00001; TOPMed 0.00001; gnomAD exomes 0.00002 and 0.00003; ESP Exome Variant Server 0.00008; ExAC 0.00003.
gnomAD v4.1: 23 of 1,614,084 alleles (0.0014%); highest among the groups gnomAD compares: Non-Finnish European, 0.0019%; no homozygotes.

Submissions (5):

Labcorp Genetics (formerly Invitae), Labcorp
Classification: Uncertain significance. Last evaluated: 2024-02-24. Review status: criteria provided, single submitter. Criteria: Invitae Variant Classification Sherloc (09022015). Collection method: clinical testing. Allele origin: germline.
Comment: This sequence change replaces serine, which is neutral and polar, with phenylalanine, which is neutral and non-polar, at codon 2812 of the SZT2 protein (p.Ser2812Phe). This variant is present in population databases (rs372395617, gnomAD 0.006%). This variant has not been reported in the literature in individuals affected with SZT2-related conditions. ClinVar contains an entry for this variant (Variation ID: 1000353). Advanced modeling of protein sequence and biophysical properties (such as structural, functional, and spatial information, amino acid conservation, physicochemical variation, residue mobility, and thermodynamic stability) performed at Invitae indicates that this missense variant is not expected to disrupt SZT2 protein function with a negative predictive value of 80%. In summary, the available evidence is currently insufficient to determine the role of this variant in disease. Therefore, it has been classified as a Variant of Uncertain Significance.

GeneDx
Classification: Uncertain significance. Last evaluated: 2023-09-21. Review status: criteria provided, single submitter. Criteria: GeneDx Variant Classification Process June 2021. Collection method: clinical testing. Allele origin: germline. Affected: yes.
Comment: Reported previously in trans with another SZT2 variant in an individual with focal epilepsy (Horak et al., 2022); Not observed at significant frequency in large population cohorts (gnomAD); In silico analysis supports that this missense variant does not alter protein structure/function; This variant is associated with the following publications: (PMID: 35065395)

Genome-Nilou Lab
Classification: Uncertain significance for Developmental and epileptic encephalopathy, 18. Last evaluated: 2023-04-11. Review status: criteria provided, single submitter. Criteria: ACMG Guidelines, 2015. Collection method: clinical testing. Allele origin: germline. Affected: no.

Blueprint Genetics
Classification: Uncertain significance. Last evaluated: 2022-04-22. Review status: criteria provided, single submitter. Criteria: ACMG Guidelines, 2015. Collection method: clinical testing. Allele origin: germline.

Ambry Genetics
Classification: Uncertain significance for Inborn genetic diseases. Last evaluated: 2018-10-12. Review status: criteria provided, single submitter. Criteria: Ambry Variant Classification Scheme 2023. Collection method: clinical testing. Allele origin: germline.
Comment: The p.S2812F variant (also known as c.8435C>T), located in coding exon 60 of the SZT2 gene, results from a C to T substitution at nucleotide position 8435. The serine at codon 2812 is replaced by phenylalanine, an amino acid with highly dissimilar properties. This amino acid position is not well conserved in available vertebrate species. In addition, this alteration is predicted to be tolerated by in silico analysis. Since supporting evidence is limited at this time, the clinical significance of this alteration remains unclear.

NM_001365999.1(SZT2):c.8606C>T (p.Ser2869Phe)

Gene: SZT2 (SZT2 subunit of KICSTOR complex; plus strand). Cytogenetic location: 1p34.2.
Variant type: single nucleotide variant.
Coding change: c.8606C>T on transcript NM_001365999.1 (MANE Select); coding-DNA position 8606, C replaced by T.
Protein change: p.Ser2869Phe; replaces serine 2869 with phenylalanine.
Molecular consequence: missense variant.
Genome position (GRCh38, 1-based): chr1:43,443,458, C>T. VCF-style: chr1-43443458-C-T. GRCh37 (hg19) VCF-style: chr1-43909129-C-T.
Other names: c.8435C>T, p.Ser2812Phe (NM_015284.4); short protein forms S2812F, S2869F.
Identifiers: ClinVar variation 1000353 (VCV001000353.12), dbSNP rs372395617, ClinGen allele CA810610.